The following is an entry in ClinVar:

ClinVar aggregate classification (germline): Uncertain significance (1 of 4 stars; one submission).

Allele frequency attached by ClinVar (database versions not stated): gnomAD exomes 0.00001.
gnomAD v4.1: 6 of 1,610,646 alleles (0.00037%); highest among the groups gnomAD compares: Non-Finnish European, 0.00051%; no homozygotes.

Submission:

Labcorp Genetics (formerly Invitae), Labcorp
Classification: Uncertain significance. Last evaluated: 2022-09-06. Review status: criteria provided, single submitter. Criteria: Invitae Variant Classification Sherloc (09022015). Collection method: clinical testing. Allele origin: germline.
Comment: In summary, the available evidence is currently insufficient to determine the role of this variant in disease. Therefore, it has been classified as a Variant of Uncertain Significance. Algorithms developed to predict the effect of missense changes on protein structure and function are either unavailable or do not agree on the potential impact of this missense change (SIFT: "Deleterious"; PolyPhen-2: "Probably Damaging"; Align-GVGD: "Class C0"). ClinVar contains an entry for this variant (Variation ID: 1425981). This variant has not been reported in the literature in individuals affected with RIMS1-related conditions. This variant is not present in population databases (gnomAD no frequency). This sequence change replaces serine, which is neutral and polar, with phenylalanine, which is neutral and non-polar, at codon 1137 of the RIMS1 protein (p.Ser1137Phe).

NM_014989.7(RIMS1):c.3410C>T (p.Ser1137Phe)

Gene: RIMS1 (regulating synaptic membrane exocytosis 1; plus strand). Cytogenetic location: 6q13.
Variant type: single nucleotide variant.
Coding change: c.3410C>T on transcript NM_014989.7 (MANE Select); coding-DNA position 3410, C replaced by T.
Protein change: p.Ser1137Phe; replaces serine 1137 with phenylalanine.
Molecular consequence: missense variant. On other transcripts: intron variant (58).
Genome position (GRCh38, 1-based): chr6:72,274,360, C>T. VCF-style: chr6-72274360-C-T. GRCh37 (hg19) VCF-style: chr6-72984063-C-T.
Other names: c.1637C>T, p.Ser546Phe (NM_001350415.2, NM_001350445.2); c.1640C>T, p.Ser547Phe (NM_001350433.2); c.1574C>T, p.Ser525Phe (NM_001350435.2); c.1568C>T, p.Ser523Phe (NM_001350437.2); c.1559+8311C>T (NM_001350428.2, NM_001350459.2, NM_001350424.2 and 1 more transcripts); c.1556+8311C>T (NM_001350430.2, NM_001350421.2, NM_001350450.2); c.1706+8311C>T (NM_001350458.2); c.1628+8311C>T (NM_001350446.2, NM_001350442.2, NM_001350416.2 and 7 more transcripts); and 20 more; short protein forms S547F, S523F, S1137F, S525F, S546F.
Identifiers: ClinVar variation 1425981 (VCV001425981.6), dbSNP rs2085055169, ClinGen allele CA364687346.